The following is an entry in ClinVar:

NM_001793.6(CDH3):c.247-2A>C

Gene: CDH3 (cadherin 3; plus strand). Cytogenetic location: 16q22.1.
Variant type: single nucleotide variant.
Coding change: c.247-2A>C on transcript NM_001793.6 (MANE Select); the canonical splice acceptor site of the intron before coding-DNA position 247, A replaced by C.
Molecular consequence: splice acceptor variant.
Genome position (GRCh38, 1-based): chr16:68,678,132, A>C. VCF-style: chr16-68678132-A-C. GRCh37 (hg19) VCF-style: chr16-68712035-A-C.
Other names: c.82-2A>C (NM_001317196.2); c.247-2A>C (NM_001317195.3).
Identifiers: ClinVar variation 2846698 (VCV002846698.3), dbSNP rs1286554934, ClinGen allele CA396448515.

ClinVar aggregate classification (germline): Likely pathogenic (1 of 4 stars; one submission).

Submission:

Labcorp Genetics (formerly Invitae), Labcorp
Classification: Likely pathogenic. Last evaluated: 2024-12-16. Review status: criteria provided, single submitter. Criteria: Invitae Variant Classification Sherloc (09022015). Collection method: clinical testing. Allele origin: germline.
Comment: This sequence change affects an acceptor splice site in intron 3 of the CDH3 gene. It is expected to disrupt RNA splicing. Variants that disrupt the donor or acceptor splice site typically lead to a loss of protein function (PMID: 16199547), and loss-of-function variants in CDH3 are known to be pathogenic (PMID: 15805154, 27386845, 29620724). This variant is not present in population databases (gnomAD no frequency). This variant has not been reported in the literature in individuals affected with CDH3-related conditions. ClinVar contains an entry for this variant (Variation ID: 2846698). Algorithms developed to predict the effect of sequence changes on RNA splicing suggest that this variant may disrupt the consensus splice site. In summary, the currently available evidence indicates that the variant is pathogenic, but additional data are needed to prove that conclusively. Therefore, this variant has been classified as Likely Pathogenic.

Literature cited by the submitters: PubMed 16199547; PubMed 15805154; PubMed 27386845; PubMed 29620724.